The following is an entry in ClinVar:

ClinVar aggregate classification (germline): Likely benign. Review status: criteria provided, multiple submitters, no conflicts (2 of 4 stars). 2 submissions from 2 submitters: Likely benign (2). Last evaluated 2026-01-23.

Conditions:
MYO5B-related disorder. Also called: MYO5B-related condition.

gnomAD v4.1: 36 of 1,614,008 alleles (0.0022%); highest among the groups gnomAD compares: Middle Eastern, 0.016%; no homozygotes.

Submissions (2):

Labcorp Genetics (formerly Invitae), Labcorp
Classification: Likely benign. Last evaluated: 2026-01-23. Review status: criteria provided, single submitter. Criteria: Invitae Variant Classification Sherloc (09022015). Collection method: clinical testing. Allele origin: germline.

PreventionGenetics, part of Exact Sciences
Classification: Likely benign for MYO5B-related condition. Last evaluated: 2024-10-28. Review status: criteria provided, single submitter. Criteria: ACMG Guidelines, 2015. Collection method: clinical testing. Allele origin: germline.
Comment: This variant is classified as likely benign based on ACMG/AMP sequence variant interpretation guidelines (Richards et al. 2015 PMID: 25741868, with internal and published modifications).

NM_001080467.3(MYO5B):c.1713G>A (p.Thr571=)

Gene: MYO5B (myosin VB; minus strand). Cytogenetic location: 18q21.1.
Variant type: single nucleotide variant.
Coding change: c.1713G>A on transcript NM_001080467.3 (MANE Select); coding-DNA position 1713, G replaced by A.
Protein change: p.Thr571=; no amino-acid change (threonine 571 retained).
Molecular consequence: synonymous variant.
Genome position (GRCh38, 1-based): chr18:49,953,299, C>T on the plus strand (G>A on the coding strand, the complement: MYO5B is on the minus strand). VCF-style: chr18-49953299-C-T. GRCh37 (hg19) VCF-style: chr18-47479669-C-T.
Other names: c.1713G>A (NM_001080467.2).
Identifiers: ClinVar variation 1592360 (VCV001592360.9), dbSNP rs185840586, ClinGen allele CA8961411.